The following is an entry in ClinVar:

ClinVar aggregate classification (germline): Uncertain significance (1 of 4 stars; one submission).

Conditions:
HNSHA due to aldolase A deficiency (GSD12). Also called: GLYCOGEN STORAGE DISEASE XII; GSD XII; RED CELL ALDOLASE DEFICIENCY; Glycogen storage disease due to aldolase A deficiency. Identifiers: Orphanet 57, MedGen C0272066, MONDO:0012747, OMIM 611881.

Submission:

Department of Haematogenetics, ICMR National Institute of Immunohaematology
Classification: Uncertain significance for HNSHA due to aldolase A deficiency. Last evaluated: 2026-09-22. Review status: criteria provided, single submitter. Criteria: ACMG Guidelines, 2015. Collection method: research. Allele origin: germline. Affected: yes.
Comment: This variant is classified as Uncertain significance (PM2+PM3) as per the ACMG guidelines.The variant was identified in homozygous state.

NM_001243177.4(ALDOA):c.419A>G (p.Gln140Arg)

Genes: ALDOA (aldolase, fructose-bisphosphate A; plus strand), LOC112694756 (uncharaterized LOC112694756; plus strand). Cytogenetic location: 16p11.2.
Variant type: single nucleotide variant.
Coding change: c.419A>G on transcript NM_001243177.4 (MANE Select); coding-DNA position 419, A replaced by G.
Protein change: p.Gln140Arg; replaces glutamine 140 with arginine.
Molecular consequence: missense variant. On other transcripts: 3 prime UTR variant (3).
Genome position (GRCh38, 1-based): chr16:30,067,594, A>G. VCF-style: chr16-30067594-A-G. GRCh37 (hg19) VCF-style: chr16-30078915-A-G.
Other names: c.*766A>G (NM_001365304.2, NM_001365305.2, NM_001365307.2); c.257A>G, p.Gln86Arg (NM_001127617.2, NM_184041.5, NM_184043.2); short protein forms Q140R, Q86R.
Identifiers: ClinVar variation 5010302 (VCV005010302.1).